The following continues an entry in ClinVar:

NM_000051.4(ATM):c.5623C>T (p.Arg1875Ter)

Gene: ATM. ClinVar aggregate classification (germline): Pathogenic. Pathogenic (19).

Submissions 8 to 15 of 19:

ARUP Laboratories, Molecular Genetics and Genomics, ARUP Laboratories
Classification: Pathogenic. Last evaluated: 2025-01-03. Review status: criteria provided, single submitter. Criteria: ARUP Molecular Germline Variant Investigation Process 2024. Collection method: clinical testing. Allele origin: germline.
Comment: The ATM c.5623C>T; p.Arg1875Ter variant (rs376603775, ClinVar Variation ID 245815) is reported in the literature in multiple individuals affected with ataxia-telangiectasia (Gilad 1998, Jackson 2016, Keimling 2011, Reiman 2011, Schon 2019), breast cancer (Tung 2016, Dorling 2021), ovarian cancer (Lilyquist 2017, Carter 2018), at least one individual each with prostate (Karlsson 2021) or pancreatic cancer (Yu 2021). This variant is found in the general population with an overall allele frequency of 0.002% (5/249754 alleles) in the Genome Aggregation Database (v2.1.1). This variant induces an early termination codon and is predicted to result in a truncated protein or mRNA subject to nonsense-mediated decay. Based on available information, this variant is considered to be pathogenic. References: Carter NJ et al. Germline pathogenic variants identified in women with ovarian tumors. Gynecol Oncol. 2018 Dec;151(3):481-488. PMID: 30322717. Dorling L et al. Breast Cancer Risk Genes - Association Analysis in More than 113,000 Women. N Engl J Med. 2021 Feb 4;384(5):428-439. PMID: 33471991. Gilad S et al. Identification of ATM mutations using extended RT-PCR and restriction endonuclease fingerprinting, and elucidation of the repertoire of A-T mutations in Israel. Hum Mutat. 1998;11(1):69-75. PMID: 9450906. Jackson TJ. Longitudinal analysis of the neurological features of ataxia-telangiectasia. Dev Med Child Neurol. 2016 Jul;58(7):690-7. PMID: 26896183. Karlsson Q et al. Rare Germline Variants in ATM Predispose to Prostate Cancer: A PRACTICAL Consortium Study. Eur Urol Oncol. 2021 Aug;4(4):570-579. PMID: 33436325. Keimling M et al. Functional characterization connects individual patient mutations in ataxia telangiectasia mutated (ATM) with dysfunction of specific DNA double-strand break-repair signaling pathways. FASEB J. 2011 Nov;25(11):3849-60. PMID: 21778326. Lilyquist J et al. Frequency of mutations in a large series of clinically ascertained ovarian cancer cases tested on multi-gene panels compared to reference controls. Gynecol Oncol. 2017 Nov;147(2):375-380. PMID: 28888541. Reiman A et al. Lymphoid tumours and breast cancer in ataxia telangiectasia; substantial protective effect of residual ATM kinase activity against childhood tumours. Br J Cancer. 2011 Aug 9;105(4):586-91. PMID: 21792198. Schon K et al. Genotype, extrapyramidal features, and severity of variant ataxia-telangiectasia. Ann Neurol. 2019 Feb;85(2):170-180. PMID: 30549301. Tung N et al. Frequency of Germline Mutations in 25 Cancer Susceptibility Genes in a Sequential Series of Patients With Breast Cancer. J Clin Oncol. 2016 May 1;34(13):1460-8. PMID: 26976419. Yu Y et al. A whole-exome case-control association study to characterize the contribution of rare coding variation to pancreatic cancer risk. HGG Adv. 2021 Dec 10;3(1):100078. PMID: 35047863.

Ambry Genetics
Classification: Pathogenic for Hereditary cancer-predisposing syndrome. Last evaluated: 2024-10-08. Review status: criteria provided, single submitter. Criteria: Ambry Variant Classification Scheme 2023. Collection method: clinical testing. Allele origin: germline.
Comment: The p.R1875* pathogenic mutation (also known as c.5623C>T), located in coding exon 36 of the ATM gene, results from a C to T substitution at nucleotide position 5623. This changes the amino acid from an arginine to a stop codon within coding exon 36. This mutation has been reported in both the homozygous and compound heterozygous state in multiple patients with ataxia-telangiectasia (A-T) (Becker-Catania SG et al. Mol Genet Metab, 2000 Jun;70:122-33; Cummins G et al. Parkinsonism Relat Disord, 2013 Dec;19:1173-4; Sheikhbahaei S et al. Allergy Asthma Clin Immunol. 2016 Dec 2;12:62). One study, in an A-T patient who was positive for this mutation along with another truncation ATM alteration, demonstrated residual ATM protein expression and activity was reportedly absent (Carney EF et al. J. Immunol. 2012 Jul; 189(1):261-8). This mutation has been detected in patients with multiple cancer types including breast, ovarian, pancreatic, prostate and melanoma (Tavtigian SV et al. Am J Hum Genet, 2009 Oct;85:427-46; Decker B et al. J Med Genet, 2017 11;54:732-741; Carter NJ et al. Gynecol Oncol, 2018 12;151:481-488; Cremin C et al. Cancer Med, 2020 06;9:4004-4013; Feliubadal&oacute; L et al. Clin Chem, 2021 03;67:518-533; Dorling et al. N Engl J Med. 2021 02;384:428-439; Karlsson Q et al. Eur Urol Oncol, 2021 Aug;4:570-579). Furthermore, tumor studies have revealed loss of heterozygosity (LOH) associated with this mutation (Goldgar DE et al. Breast Cancer Res. 2011; 13(4):R73). In addition to the clinical data presented in the literature, this alteration is expected to result in loss of function by premature protein truncation or nonsense-mediated mRNA decay. As such, this alteration is interpreted as a disease-causing mutation.

Baylor Genetics
Classification: Pathogenic for Familial cancer of breast. Last evaluated: 2024-02-18. Review status: criteria provided, single submitter. Criteria: ACMG Guidelines, 2015. Collection method: clinical testing. Allele origin: unknown.

Myriad Genetics, Inc.
Classification: Pathogenic for Familial cancer of breast. Last evaluated: 2024-01-25. Review status: criteria provided, single submitter. Criteria: Myriad Autosomal Dominant, Autosomal Recessive and X-Linked Classification Criteria (2023). Collection method: clinical testing. Allele origin: unknown.
Comment: This variant is considered pathogenic. This variant creates a termination codon and is predicted to result in premature protein truncation.

GeneDx
Classification: Pathogenic. Last evaluated: 2022-12-16. Review status: criteria provided, single submitter. Criteria: GeneDx Variant Classification Process June 2021. Collection method: clinical testing. Allele origin: germline. Affected: yes.
Comment: Nonsense variant predicted to result in protein truncation or nonsense mediated decay in a gene for which loss of function is a known mechanism of disease; Observed in individuals with ataxia-telangiectasia in the apparent homozygous and compound heterozygous states, and cell lines from some of these patients displayed impaired phosphorylation and DNA damage response, and reduced ATM protein expression (Gilad et al., 1998; Becker-Catania 2000; Keimling et al., 2011); Observed in individuals with ATM-related cancers (Hollestelle et al., 2010; Tung et al., 2016; Decker et al., 2017; Whitworth et al., 2018); Truncating variants in this gene are considered pathogenic by a well-established clinical consortium and/or database; Not observed at significant frequency in large population cohorts (gnomAD); This variant is associated with the following publications: (PMID: 26976419, 35047863, 10330348, 21787400, 24008619, 20346647, 27980538, 28779002, 29909963, 30549301, 9450906, 30322717, 32255556, 29625052, 34426522, 25525159, 33436325, 29922827, 33804961, 26896183, 28888541, 10873394, 21778326)

Sema4
Classification: Pathogenic for Hereditary cancer-predisposing syndrome. Last evaluated: 2021-11-14. Review status: criteria provided, single submitter. Criteria: Sema4 Curation Guidelines. Collection method: curation. Allele origin: germline.
Comment: The ATM c.5623C>T (p.R1875X) variant has been reported in patients with ataxia-telangiectasia, prostate cancer, glioblastoma, kidney cancer, melanoma ovarian cancer, and breast cancer (PMID: 30549301, 21778326, 33436325, 29625052, 30322717, 21787400). A large case-control study observed the variant in 4/60466 breast cancer cases and in 0/53461 controls (PMID: 33471991). This nonsense variant creates a premature stop codon at residue 1875 of the ATM protein. At this location, this variant is predicted to cause loss of normal protein function either through protein truncation or nonsense-mediated mRNA decay. Loss of function variants in ATM are known to be pathogenic (PMID: 31050087). This variant was observed in 5/249754 chromosomes across all populations, in the large and broad cohorts of the Genome Aggregation Database (PMID: 32461654). The variant has been reported in ClinVar (Variation ID 245815). Based on the current evidence available, this variant is interpreted as pathogenic.

Women's Health and Genetics/Laboratory Corporation of America, LabCorp
Classification: Pathogenic for Ataxia-telangiectasia syndrome. Last evaluated: 2021-10-10. Review status: criteria provided, single submitter. Criteria: LabCorp Variant Classification Summary - May 2015. Collection method: clinical testing. Allele origin: germline.
Comment: Variant summary: ATM c.5623C>T (p.Arg1875X) results in a premature termination codon, predicted to cause a truncation of the encoded protein or absence of the protein due to nonsense mediated decay, which are commonly known mechanisms for disease. Truncations downstream of this position have been classified as pathogenic by our laboratory. The variant allele was found at a frequency of 2e-05 in 249754 control chromosomes. c.5623C>T has been reported in the literature in multiple individuals affected with Ataxia-Telangiectasia (example, Gilad_1998, Becker-Catnia_2000, Reiman_2011, Sheikhbahaei_2016). These data indicate that the variant is very likely to be associated with disease. Nine clinical diagnostic laboratories have submitted clinical-significance assessments for this variant to ClinVar after 2014 without evidence for independent evaluation. All laboratories classified the variant as pathogenic. Based on the evidence outlined above, the variant was classified as pathogenic.

Spanish ATM Cancer Susceptibility Variant Interpretation Working Group
Classification: Pathogenic for Hereditary cancer-predisposing syndrome. Last evaluated: 2020-06-17. Review status: criteria provided, single submitter. Criteria: Feliubadaló L et al. (Clin Chem 2021). Collection method: clinical testing. Allele origin: germline. Affected: yes. Observed: 1 heterozygote.
Comment: The c.5623C>T (p.Arg1875*) variant generates a stop codon that is predicted to result in a truncated or absent protein, due to nonsense mediated decay (NMD) (PVS1). It has an allele frequency of 0.0013%, (3/235,362 alleles) in the gnomAD v2.1.1 non-cancer dataset, with a maximal frequency of 0.0020%, (2/102100 alleles) in the European (non-Finnish) subpopulation (no population frequency criterion met). This variant has been reported in at least three ataxia-telangiectasia probands together with (likely) pathogenic variants (PMID: 21792198, 22649200, 21778326) and in two homozygous probands (PMID: 10873394, 9450906), which awards it with at least 2 points as per ClinGen SVI Recommendation for in trans Criterion (PM3_Strong; PMID: 21965147). Assays performed with lymphoblastoid cell lines of an homozygous and a compound heterozygous ataxia-telangiectasia patients showed reduced levels (PMID: 10873394) and absence (PMID: 21778326) of ATM protein, respectively. Additionally, very little phosphorylation of SMC1, KAP1, and CHK2 proteins was observed in the latter patient (PS3_Moderate, PMID: 21778326). c.1463G>A Therefore, this variant meets criteria to be classified as pathogenic. Adapted ACMG/AMP rules applied as defined by the Spanish ATM working group: PVS1 + PM3_Strong + PS3_Moderate (PMID: 33280026)